The following is an entry in ClinVar:

ClinVar aggregate classification (germline): Uncertain significance (1 of 4 stars; one submission).

Conditions:
Familial hemophagocytic lymphohistiocytosis 3 (FHL3). Also called: UNC13D-Related Familial Hemophagocytic Lymphohistiocytosis (UNC13D-fHLH). Identifiers: Orphanet 540, MedGen C1837174, MONDO:0012146, OMIM 608898.

Submission:

Labcorp Genetics (formerly Invitae), Labcorp
Classification: Uncertain significance for Familial hemophagocytic lymphohistiocytosis 3. Last evaluated: 2025-12-25. Review status: criteria provided, single submitter. Criteria: Invitae Variant Classification Sherloc (09022015). Collection method: clinical testing. Allele origin: germline.
Comment: This sequence change replaces glutamic acid, which is acidic and polar, with valine, which is neutral and non-polar, at codon 959 of the UNC13D protein (p.Glu959Val). This variant is not present in population databases (gnomAD no frequency). This variant has not been reported in the literature in individuals affected with UNC13D-related conditions. Invitae Evidence Modeling of protein sequence and biophysical properties (such as structural, functional, and spatial information, amino acid conservation, physicochemical variation, residue mobility, and thermodynamic stability) indicates that this missense variant is not expected to disrupt UNC13D protein function with a negative predictive value of 80%. In summary, the available evidence is currently insufficient to determine the role of this variant in disease. Therefore, it has been classified as a Variant of Uncertain Significance.

NM_199242.3(UNC13D):c.2876A>T (p.Glu959Val)

Genes: UNC13D (unc-13 homolog D; minus strand), LOC112533672 (Sharpr-MPRA regulatory region 1193; plus strand). Cytogenetic location: 17q25.1.
Variant type: single nucleotide variant.
Coding change: c.2876A>T on transcript NM_199242.3 (MANE Select); coding-DNA position 2876, A replaced by T.
Protein change: p.Glu959Val; replaces glutamic acid 959 with valine.
Molecular consequence: missense variant.
Genome position (GRCh38, 1-based): chr17:75,830,106, T>A on the plus strand (A>T on the coding strand, the complement: UNC13D is on the minus strand). VCF-style: chr17-75830106-T-A. GRCh37 (hg19) VCF-style: chr17-73826187-T-A.
Other names: short protein forms E959V.
Identifiers: ClinVar variation 4748373 (VCV004748373.1).